The following is an entry in ClinVar:

NM_000038.6(APC):c.5263G>C (p.Ala1755Pro)

Gene: APC (APC regulator of Wnt signaling pathway; plus strand). Cytogenetic location: 5q22.2.
Variant type: single nucleotide variant.
Coding change: c.5263G>C on transcript NM_000038.6 (MANE Select); coding-DNA position 5263, G replaced by C.
Protein change: p.Ala1755Pro; replaces alanine 1755 with proline.
Molecular consequence: missense variant. On other transcripts: non-coding transcript variant (2).
Genome position (GRCh38, 1-based): chr5:112,840,857, G>C. VCF-style: chr5-112840857-G-C. GRCh37 (hg19) VCF-style: chr5-112176554-G-C.
Other names: c.5263G>C, p.Ala1755Pro (NM_001127510.3, NM_001354895.2, NM_001407450.1); c.5209G>C, p.Ala1737Pro (NM_001127511.3); c.5317G>C, p.Ala1773Pro (NM_001354896.2, NM_001407447.1, NM_001407448.1 and 1 more transcripts); c.5293G>C, p.Ala1765Pro (NM_001354897.2); c.5188G>C, p.Ala1730Pro (NM_001354898.2); c.5179G>C, p.Ala1727Pro (NM_001354899.2); c.5140G>C, p.Ala1714Pro (NM_001354900.2); c.5086G>C, p.Ala1696Pro (NM_001354901.2, NM_001407453.1); and 11 more; short protein forms A1371P, A1472P, A1595P, A1626P, A1629P, A1654P, A1664P, A1672P.
Identifiers: ClinVar variation 3894146 (VCV003894146.1).
Genomic context (GRCh38, chr5:112,840,857, plus strand): 5'-GGGAAAAGTCACAAGCCTTTCCGTGTGAAAAAGATAATGGACCAGGTCCAGCAAGCATCT[G>C]CGTCTTCTTCTGCACCCAACAAAAATCAGTTAGATGGTAAGAAAAAGAAACCAACTTCAC-3'
Protein context (NP_000029.2, residues 1745-1765): KIMDQVQQAS[Ala1755Pro]SSSAPNKNQL

ClinVar aggregate classification (germline): Uncertain significance (1 of 4 stars; one submission).

Conditions:
Hereditary cancer-predisposing syndrome. Also called: Neoplastic Syndromes, Hereditary; Tumor predisposition; Hereditary Cancer Syndrome; Hereditary neoplastic syndrome. Identifiers: Orphanet 140162, MedGen C0027672, MeSH D009386, MONDO:0015356.

Submission:

Color Diagnostics, LLC DBA Color Health
Classification: Uncertain significance for Hereditary cancer-predisposing syndrome. Last evaluated: 2024-10-28. Review status: criteria provided, single submitter. Criteria: ACMG Guidelines, 2015. Collection method: clinical testing. Allele origin: germline.
Comment: This missense variant replaces alanine with proline at codon 1755 of the APC protein. Computational prediction suggests that this variant may not impact protein structure and function (internally defined REVEL score threshold <= 0.5, PMID: 27666373). To our knowledge, functional studies have not been reported for this variant. This variant has not been reported in individuals affected with APC-related disorders in the literature. This variant has not been identified in the general population by the Genome Aggregation Database (gnomAD). The available evidence is insufficient to determine the role of this variant in disease conclusively. Therefore, this variant is classified as a Variant of Uncertain Significance.